The following is an entry in ClinVar:

ClinVar aggregate classification (germline): Uncertain significance. Review status: criteria provided, multiple submitters, no conflicts (2 of 4 stars). 3 submissions from 3 submitters: Uncertain significance (3). Last evaluated 2025-02-21.

Conditions:
Pfeiffer syndrome (ACS5). Also called: ACS V. Identifiers: Orphanet 710, MedGen C0220658, MONDO:0007043, OMIM 101600.
Hypogonadotropic hypogonadism 2 with or without anosmia (HH2). Also called: FGFR1-Related GnRH Deficiency (Kallmann Syndrome 2); HYPOGONADOTROPIC HYPOGONADISM 2 WITHOUT ANOSMIA; HYPOGONADOTROPIC HYPOGONADISM 2 WITH OR WITHOUT ANOSMIA, SUSCEPTIBILITY TO; HYPOGONADOTROPIC HYPOGONADISM 2 WITHOUT ANOSMIA, SUSCEPTIBILITY TO. Identifiers: Orphanet 478, MedGen C1563720, MONDO:0007844, OMIM 147950. Disease mechanism: loss of function.
FGFR1-related disorder. Also called: FGFR1-related condition; FGFR1-related disorders. Identifiers: MedGen CN380097.

Allele frequency attached by ClinVar (database versions not stated): gnomAD exomes below 0.00001 and 0.00001; TOPMed 0.00001; ExAC 0.00002.

Submissions (3):

3billion
Classification: Uncertain significance for FGFR1-related disorder. Last evaluated: 2025-02-21. Review status: criteria provided, single submitter. Criteria: ACMG Guidelines, 2015. Collection method: clinical testing. Allele origin: germline. Affected: yes.
Comment: The variant is observed at an extremely low frequency in the gnomAD v4.1.0 dataset (total allele frequency: <0.001%). Predicted Consequence/Location: Missense variant In silico tools predict the variant to alter splicing and produce an abnormal transcript [SpliceAI: 0.20 (>=0.2, moderate evidence for spliceogenicity)]. The variant has been reported as of uncertain significance (ClinVar ID: VCV001311567). Different missense changes at the same codon have been reported as of uncertain significance (ClinVar ID: VCV002580629). Therefore, this variant is classified as VUS according to the recommendation of ACMG/AMP guideline.

Labcorp Genetics (formerly Invitae), Labcorp
Classification: Uncertain significance for Pfeiffer syndrome; Hypogonadotropic hypogonadism 2 with or without anosmia. Last evaluated: 2022-02-10. Review status: criteria provided, single submitter. Criteria: Invitae Variant Classification Sherloc (09022015). Collection method: clinical testing. Allele origin: germline.
Comment: In summary, the available evidence is currently insufficient to determine the role of this variant in disease. Therefore, it has been classified as a Variant of Uncertain Significance. Algorithms developed to predict the effect of sequence changes on RNA splicing suggest that this variant may disrupt the consensus splice site. Algorithms developed to predict the effect of missense changes on protein structure and function (SIFT, PolyPhen-2, Align-GVGD) all suggest that this variant is likely to be tolerated. ClinVar contains an entry for this variant (Variation ID: 1311567). This variant has not been reported in the literature in individuals affected with FGFR1-related conditions. This variant is present in population databases (rs746094709, gnomAD 0.003%). This sequence change replaces proline, which is neutral and non-polar, with serine, which is neutral and polar, at codon 150 of the FGFR1 protein (p.Pro150Ser).

GeneDx
Classification: Uncertain significance. Last evaluated: 2020-01-02. Review status: criteria provided, single submitter. Criteria: GeneDx Variant Classification Process June 2021. Collection method: clinical testing. Allele origin: germline. Affected: yes.
Comment: Not observed at a significant frequency in large population cohorts (Lek et al., 2016); In silico analysis, which includes protein predictors and evolutionary conservation, supports that this variant does not alter protein structure/function; Has not been previously published as pathogenic or benign to our knowledge

NM_023110.3(FGFR1):c.448C>T (p.Pro150Ser)

Gene: FGFR1 (fibroblast growth factor receptor 1; minus strand). Cytogenetic location: 8p11.23.
Variant type: single nucleotide variant.
Coding change: c.448C>T on transcript NM_023110.3 (MANE Select); coding-DNA position 448, C replaced by T.
Protein change: p.Pro150Ser; replaces proline 150 with serine.
Molecular consequence: missense variant. On other transcripts: intron variant (8).
Genome position (GRCh38, 1-based): chr8:38,428,346, G>A on the plus strand (C>T on the coding strand, the complement: FGFR1 is on the minus strand). VCF-style: chr8-38428346-G-A. GRCh37 (hg19) VCF-style: chr8-38285864-G-A.
Other names: c.448C>T, p.Pro150Ser (NM_001174063.2); c.424C>T, p.Pro142Ser (NM_001174064.2); c.181C>T, p.Pro61Ser (NM_001174066.2, NM_023105.3); c.175+6C>T (NM_001354368.2, NM_001354370.2, NM_023106.3); c.442+6C>T (NM_001354367.2, NM_015850.4, NM_001354369.2 and 1 more transcripts); c.541+6C>T (NM_001174067.2); short protein forms P142S, P150S, P61S.
Identifiers: ClinVar variation 1311567 (VCV001311567.8), dbSNP rs746094709, ClinGen allele CA4718745.